The following is an entry in ClinVar:

ClinVar aggregate classification (germline): Uncertain significance. Review status: criteria provided, multiple submitters, no conflicts (2 of 4 stars). 2 submissions from 2 submitters: Uncertain significance (2). Last evaluated 2025-09-05.

Conditions:
PCNT-related disorder. Also called: PCNT-related condition.

Submissions (2):

Women's Health and Genetics/Laboratory Corporation of America, LabCorp
Classification: Uncertain significance. Last evaluated: 2025-09-05. Review status: criteria provided, single submitter. Criteria: LabCorp Variant Classification Summary - May 2015. Collection method: clinical testing. Allele origin: germline.
Comment: Variant summary: PCNT c.494_532del39 (p.Pro165_His177del) results in an in-frame deletion that is predicted to remove thirteen amino acids from the encoded protein. The variant allele was found at a frequency of 2.8e-05 in 249540 control chromosomes. The available data on variant occurrences in the general population are insufficient to allow any conclusion about variant significance. To our knowledge, no occurrence of c.494_532del39 in individuals affected with PCNT-related conditions and no experimental evidence demonstrating its impact on protein function have been reported. No submitters have cited clinical-significance assessments for this variant to ClinVar. Other in-frame deletions overlapping and/or including this region are classified as uncertain significance in the ClinVar database. Based on the evidence outlined above, the variant was classified as uncertain significance.

PreventionGenetics, part of Exact Sciences
Classification: Uncertain significance for PCNT-related condition. Last evaluated: 2025-07-22. Review status: criteria provided, single submitter. Criteria: ACMG Guidelines, 2015. Collection method: clinical testing. Allele origin: germline.
Comment: The PCNT c.494_532del39 variant is predicted to result in an in-frame deletion (p.Pro165_His177del). To our knowledge, this variant has not been reported in the literature. This variant is reported in 0.012% of alleles in individuals of European (Finnish) descent in gnomAD. At this time, the clinical significance of this variant is uncertain due to the absence of conclusive functional and genetic evidence.

NM_006031.6(PCNT):c.494_532del (p.Pro165_His177del)

Gene: PCNT (pericentrin; plus strand). Cytogenetic location: 21q22.3.
Variant type: Deletion.
Coding change: c.494_532del on transcript NM_006031.6 (MANE Select); coding-DNA positions 494 to 532, 39 bases deleted.
Protein change: p.Pro165_His177del.
Molecular consequence: inframe deletion.
Genome position (GRCh38, 1-based): chr21:46,334,623-46,334,661, 39 bases deleted; deleting any 39 consecutive bases within chr21:46,334,611-46,334,661 gives the same sequence; the c. name uses the placement nearest the transcript's 3' end. GRCh37 (hg19): chr21:47,754,537-47,754,575.
Other names: c.494_532del39 (NM_006031.5, NM_006031.6); c.140_178del, p.Pro47_His59del (NM_001315529.2).
Identifiers: ClinVar variation 4535730 (VCV004535730.2).